The following is an entry in ClinVar:

ClinVar aggregate classification (germline): Benign. Review status: criteria provided, multiple submitters, no conflicts (2 of 4 stars). 5 submissions from 5 submitters: Benign (3). 2 of the submissions do not count toward it. Last evaluated 2026-10-01.

Conditions:
Inborn genetic diseases. Identifiers: MedGen C0950123, MeSH D030342.

Allele frequency attached by ClinVar (database versions not stated): 1000 Genomes Project 0.00220; 1000 Genomes Project 30x 0.00234; TOPMed 0.00483; ESP Exome Variant Server 0.00504.

Submissions (5):

CeGaT Center for Human Genetics Tuebingen
Classification: Benign. Last evaluated: 2026-10-01. Review status: criteria provided, single submitter. Criteria: CeGaT Center For Human Genetics Tuebingen Variant Classification Criteria Version 2. Collection method: clinical testing. Allele origin: germline. Affected: yes. Observed: 58 variant alleles.
Comment: SHANK3: BP4, BP7, BS1, BS2

GeneDx
Classification: Benign. Last evaluated: 2018-12-21. Review status: criteria provided, single submitter. Criteria: GeneDx Variant Classification Process June 2021. Collection method: clinical testing. Allele origin: germline. Affected: yes.

Ambry Genetics
Classification: Benign for Inborn genetic diseases. Last evaluated: 2016-09-23. Review status: criteria provided, single submitter. Criteria: Ambry Variant Classification Scheme 2023. Collection method: clinical testing. Allele origin: germline.

Clinical Genetics DNA and cytogenetics Diagnostics Lab, Erasmus MC, Erasmus Medical Center
Classification: Benign. Review status: no assertion criteria provided. Collection method: clinical testing. Allele origin: germline. Affected: yes. Study: VKGL Data-share Consensus. Not counted in ClinVar's aggregate classification.

Clinical Genetics, Academic Medical Center
Classification: Benign. Review status: no assertion criteria provided. Collection method: clinical testing. Allele origin: germline. Affected: yes. Study: VKGL Data-share Consensus. Not counted in ClinVar's aggregate classification.

NM_001372044.2(SHANK3):c.2268C>G (p.Pro756=)

Gene: SHANK3 (SH3 and multiple ankyrin repeat domains 3; plus strand). Cytogenetic location: 22q13.33.
Variant type: single nucleotide variant.
Coding change: c.2268C>G on transcript NM_001372044.2 (MANE Select); coding-DNA position 2268, C replaced by G.
Protein change: p.Pro756=; no amino-acid change (proline 756 retained).
Molecular consequence: synonymous variant.
Genome position (GRCh38, 1-based): chr22:50,706,085, C>G. VCF-style: chr22-50706085-C-G. GRCh37 (hg19) VCF-style: chr22-51144513-C-G.
Other names: c.2043C>G, p.Pro681= (NM_033517.1).
Identifiers: ClinVar variation 588392 (VCV000588392.41), dbSNP rs61731160, ClinGen allele CA10325755.